The following is an entry in ClinVar:

ClinVar aggregate classification (germline): Conflicting classifications of pathogenicity. Review status: criteria provided, conflicting classifications (1 of 4 stars). 4 submissions from 4 submitters: Likely pathogenic (3); Uncertain significance (1). Last evaluated 2026-01-25.

Conditions:
POMGNT1-related disorder. Also called: POMGNT1-related condition; POMGNT1-related disorders. Identifiers: MedGen CN239299.
Muscular dystrophy-dystroglycanopathy (congenital with brain and eye anomalies), type A3. Also called: Congenital muscular dystrophy-dystroglycanopathy with brain and eye anomalies, type A3; WALKER-WARBURG SYNDROME OR MUSCLE-EYE-BRAIN DISEASE, POMGNT1-RELATED; Muscular dystrophy-dystroglycanopathy (congenital with brain and eye anomalies), type A, 3. Identifiers: MedGen C3151519, MONDO:0009667, OMIM 253280.
Retinitis pigmentosa 76 (RP76). Identifiers: MedGen C4310704, MONDO:0014929, OMIM 617123.
Autosomal recessive limb-girdle muscular dystrophy type 2O. Also called: MUSCULAR DYSTROPHY-DYSTROGLYCANOPATHY (LIMB-GIRDLE), TYPE C, 3; Limb-Girdle Muscular Dystrophy Type 3C; MUSCULAR DYSTROPHY-DYSTROGLYCANOPATHY, LIMB-GIRDLE, POMGNT1-RELATED. Identifiers: Orphanet 206564, MedGen C3150417, MONDO:0013161, OMIM 613157.
Muscular dystrophy-dystroglycanopathy (congenital with impaired intellectual development), type B, 3. Also called: Muscular dystrophy-dystroglycanopathy (congenital with intellectual disability), type B3; MUSCULAR DYSTROPHY, CONGENITAL, POMGNT1-RELATED. Identifiers: MedGen C3150412, MONDO:0013155, OMIM 613151.
Muscular dystrophy-dystroglycanopathy. Also called: Congenital muscular dystrophy due to dystroglycanopathy. Identifiers: Orphanet 370953, MedGen C5679911, MONDO:0018276.

Allele frequency attached by ClinVar (database versions not stated): gnomAD exomes 0.00001 and 0.00002; ExAC 0.00002.
gnomAD v4.1: 10 of 1,595,646 alleles (0.00063%); highest among the groups gnomAD compares: Non-Finnish European, 0.00077%; no homozygotes.

Submissions (4):

Labcorp Genetics (formerly Invitae), Labcorp
Classification: Likely pathogenic for Autosomal recessive limb-girdle muscular dystrophy type 2O; Muscular dystrophy-dystroglycanopathy (congenital with impaired intellectual development), type B, 3. Last evaluated: 2026-01-25. Review status: criteria provided, single submitter. Criteria: Invitae Variant Classification Sherloc (09022015). Collection method: clinical testing. Allele origin: germline.
Comment: This sequence change affects a donor splice site in intron 19 of the POMGNT1 gene. It is expected to disrupt RNA splicing. Variants that disrupt the donor or acceptor splice site typically lead to a loss of protein function (PMID: 16199547), and loss-of-function variants in POMGNT1 are known to be pathogenic (PMID: 19299310, 20816175, 21447391, 26908613, 27391550). This variant is present in population databases (rs752700398, gnomAD 0.004%). This variant has not been reported in the literature in individuals affected with POMGNT1-related conditions. ClinVar contains an entry for this variant (Variation ID: 1067220). Algorithms developed to predict the effect of sequence changes on RNA splicing suggest that this variant may disrupt the consensus splice site. In summary, the currently available evidence indicates that the variant is pathogenic, but additional data are needed to prove that conclusively. Therefore, this variant has been classified as Likely Pathogenic.

Fulgent Genetics
Classification: Likely pathogenic for Muscular dystrophy-dystroglycanopathy (congenital with brain and eye anomalies), type A3; Muscular dystrophy-dystroglycanopathy (congenital with impaired intellectual development), type B, 3; Autosomal recessive limb-girdle muscular dystrophy type 2O; Retinitis pigmentosa 76. Last evaluated: 2024-03-27. Review status: criteria provided, single submitter. Criteria: ACMG Guidelines, 2015. Collection method: clinical testing. Allele origin: germline.

Broad Center for Mendelian Genomics, Broad Institute of MIT and Harvard
Classification: Uncertain significance for Muscular dystrophy-dystroglycanopathy. Last evaluated: 2023-01-24. Review status: criteria provided, single submitter. Criteria: ACMG Guidelines, 2015. Collection method: curation. Allele origin: germline. Inheritance: Autosomal recessive inheritance.
Comment: The c.1649+1G>A variant in POMGNT1 has not been previously reported in the literature in individuals with POMGNT1-associated muscular dystrophy-dystroglycanopathy but has been identified in 0.003% (4/113770) European (non-Finnish) chromosomes by the Genome Aggregation Database (gnomAD; dbSNP ID: rs752700398). Although this variant has been seen in the general population in a heterozygous state, its frequency is low enough to be consistent with a recessive carrier frequency. This variant has also been reported in ClinVar (Variation ID#:1067220) and has been interpreted as likely pathogenic by Invitae. This variant is located in the 5' splice region. Computational tools predict a splicing impact, though this information is not predictive enough to determine pathogenicity. This variant is adjacent to an in-frame exon and is more likely to escape nonsense mediated decay (NMD) and result in a truncated protein. In summary, while there is some suspicion for a pathogenic role, the clinical significance of this variant is uncertain. ACMG/AMP Criteria applied: PVS1_moderate, PM2_supporting (Richards 2015).

Blueprint Genetics
Classification: Likely pathogenic for POMGNT1-related disorders. Last evaluated: 2021-11-19. Review status: criteria provided, single submitter. Criteria: ACMG Guidelines, 2015. Collection method: clinical testing. Allele origin: germline. Affected: yes. Observed: 2 variant alleles.

Literature cited by the submitters: PubMed 16199547 (cited by Labcorp Genetics (formerly Invitae), Labcorp); PubMed 19299310 (cited by Labcorp Genetics (formerly Invitae), Labcorp); PubMed 20816175 (cited by Labcorp Genetics (formerly Invitae), Labcorp); PubMed 21447391 (cited by Labcorp Genetics (formerly Invitae), Labcorp); PubMed 26908613 (cited by Labcorp Genetics (formerly Invitae), Labcorp); PubMed 27391550 (cited by Labcorp Genetics (formerly Invitae), Labcorp).

NM_017739.4(POMGNT1):c.1649+1G>A

Genes: POMGNT1 (protein O-linked mannose N-acetylglucosaminyltransferase 1 (beta 1,2-); minus strand), TSPAN1 (tetraspanin 1; plus strand). Cytogenetic location: 1p34.1.
Variant type: single nucleotide variant.
Coding change: c.1649+1G>A on transcript NM_017739.4 (MANE Select); the canonical splice donor site of the intron after coding-DNA position 1649, G replaced by A.
Molecular consequence: splice donor variant.
Genome position (GRCh38, 1-based): chr1:46,190,472, C>T on the plus strand (G>A on the coding strand, the complement: POMGNT1 is on the minus strand). VCF-style: chr1-46190472-C-T. GRCh37 (hg19) VCF-style: chr1-46656144-C-T.
Other names: c.1649+1G>A (NM_001243766.2, NM_001438686.1, NM_001438688.1 and 3 more transcripts); c.1583+1G>A (NM_001290129.3, NM_001438691.1, NM_001438692.1); c.1220+1G>A (NM_001290130.2).
Identifiers: ClinVar variation 1067220 (VCV001067220.9), dbSNP rs752700398, ClinGen allele CA833286.